The following is an entry in ClinVar:

NM_004655.4(AXIN2):c.867_868insA (p.Val290fs)

Gene: AXIN2 (axin 2; minus strand). Cytogenetic location: 17q24.1.
Variant type: Insertion.
Coding change: c.867_868insA on transcript NM_004655.4 (MANE Select); coding-DNA positions 867 to 868, A inserted.
Protein change: p.Val290fs; shifts the reading frame from valine 290.
Molecular consequence: frameshift variant.
Genome position: GRCh38 VCF-style: chr17-65549608-C-CT. GRCh37 (hg19) VCF-style: chr17-63545726-C-CT.
Other names: c.867_868insA, p.Val290fs (NM_001363813.1); short protein forms V290fs.
Identifiers: ClinVar variation 2762197 (VCV002762197.3), dbSNP rs2544218285, ClinGen allele CA2697555106.

ClinVar aggregate classification (germline): Pathogenic (1 of 4 stars; one submission).

Conditions:
Oligodontia-cancer predisposition syndrome. Also called: TOOTH AGENESIS-COLORECTAL CANCER SYNDROME. Identifiers: Orphanet 300576, MedGen C1837750, MONDO:0012075, OMIM 608615. Disease mechanism: loss of function.

Submission:

Labcorp Genetics (formerly Invitae), Labcorp
Classification: Pathogenic for Oligodontia-cancer predisposition syndrome. Last evaluated: 2023-09-28. Review status: criteria provided, single submitter. Criteria: Invitae Variant Classification Sherloc (09022015). Collection method: clinical testing. Allele origin: germline.
Comment: For these reasons, this variant has been classified as Pathogenic. This variant has not been reported in the literature in individuals affected with AXIN2-related conditions. This variant is not present in population databases (gnomAD no frequency). This sequence change creates a premature translational stop signal (p.Val290Serfs*12) in the AXIN2 gene. It is expected to result in an absent or disrupted protein product. Loss-of-function variants in AXIN2 are known to be pathogenic (PMID: 15042511, 21416598).

Literature cited by the submitters: PubMed 15042511; PubMed 21416598.